The following is an entry in ClinVar:

NM_004996.4(ABCC1):c.4441G>A (p.Val1481Ile)

Gene: ABCC1 (ATP binding cassette subfamily C member 1 (ABCC1 blood group); plus strand). Cytogenetic location: 16p13.11.
Variant type: single nucleotide variant.
Coding change: c.4441G>A on transcript NM_004996.4 (MANE Select); coding-DNA position 4441, G replaced by A.
Protein change: p.Val1481Ile; replaces valine 1481 with isoleucine.
Molecular consequence: missense variant.
Genome position (GRCh38, 1-based): chr16:16,138,512, G>A. VCF-style: chr16-16138512-G-A. GRCh37 (hg19) VCF-style: chr16-16232369-G-A.
Other names: c.4264G>A, p.Val1422Ile (NM_019862.3); short protein forms V1422I, V1481I.
Identifiers: ClinVar variation 3046258 (VCV003046258.2), dbSNP rs199815778, ClinGen allele CA7925068.

ClinVar aggregate classification (germline): Benign (0 of 4 stars; one submission).

Conditions:
ABCC1-related disorder. Also called: ABCC1-related condition.

Allele frequency attached by ClinVar (database versions not stated): gnomAD exomes 0.00013; ExAC 0.00052; gnomAD 0.00119; 1000 Genomes Project 0.00120; TOPMed 0.00126; 1000 Genomes Project 30x 0.00141; ESP Exome Variant Server 0.00156.
gnomAD v4.1: 365 of 1,588,196 alleles (0.023%); highest among the groups gnomAD compares: African/African-American, 0.38%; 3 homozygotes.

Submission:

PreventionGenetics, part of Exact Sciences
Classification: Benign for ABCC1-related condition. Last evaluated: 2021-01-04. Review status: no assertion criteria provided. Collection method: clinical testing. Allele origin: germline.
Comment: This variant is classified as benign based on ACMG/AMP sequence variant interpretation guidelines (Richards et al. 2015 PMID: 25741868, with internal and published modifications).